The following is an entry in ClinVar:

NM_024675.4(PALB2):c.1303G>T (p.Val435Phe)

Gene: PALB2 (partner and localizer of BRCA2; minus strand). Cytogenetic location: 16p12.2.
Variant type: single nucleotide variant.
Coding change: c.1303G>T on transcript NM_024675.4 (MANE Select); coding-DNA position 1303, G replaced by T.
Protein change: p.Val435Phe; replaces valine 435 with phenylalanine.
Molecular consequence: missense variant. On other transcripts: intron variant (3).
Genome position (GRCh38, 1-based): chr16:23,635,243, C>A on the plus strand (G>T on the coding strand, the complement: PALB2 is on the minus strand). VCF-style: chr16-23635243-C-A. GRCh37 (hg19) VCF-style: chr16-23646564-C-A.
Other names: c.1243G>T, p.Val415Phe (NM_001407296.1); c.1303G>T, p.Val435Phe (NM_001407297.1, NM_001407298.1, NM_001407299.1 and 3 more transcripts); c.418G>T, p.Val140Phe (NM_001407304.1, NM_001407305.1, NM_001407306.1 and 5 more transcripts); c.48+5867G>T (NM_001407314.1); c.-104-4774G>T (NM_001407313.1, NM_001407312.1); short protein forms V140F, V415F, V435F.
Identifiers: ClinVar variation 5026173 (VCV005026173.1).

ClinVar aggregate classification (germline): Uncertain significance (1 of 4 stars; one submission).

Conditions:
Hereditary cancer-predisposing syndrome. Also called: Neoplastic Syndromes, Hereditary; Tumor predisposition; Hereditary neoplastic syndrome; Hereditary Cancer Syndrome. Identifiers: Orphanet 140162, MedGen C0027672, MeSH D009386, MONDO:0015356.

Submission:

Ambry Genetics
Classification: Uncertain significance for Hereditary cancer-predisposing syndrome. Last evaluated: 2026-07-13. Review status: criteria provided, single submitter. Criteria: Ambry Variant Classification Scheme 2023. Collection method: clinical testing. Allele origin: germline.
Comment: The p.V435F variant (also known as c.1303G>T), located in coding exon 4 of the PALB2 gene, results from a G to T substitution at nucleotide position 1303. The valine at codon 435 is replaced by phenylalanine, an amino acid with highly similar properties. This amino acid position is conserved. In addition, this alteration is predicted to be tolerated by in silico analysis. Based on the available evidence, the clinical significance of this variant remains unclear.